The following is an entry in ClinVar:

ClinVar aggregate classification (germline): Pathogenic. Review status: criteria provided, multiple submitters, no conflicts (2 of 4 stars). 2 submissions from 2 submitters: Pathogenic (2). Last evaluated 2024-04-22.

Conditions:
DE SANCTIS-CACCHIONE SYNDROME. Identifiers: MedGen C0265201, MONDO:0010217, OMIM 278800.

Submissions (2):

Labcorp Genetics (formerly Invitae), Labcorp
Classification: Pathogenic. Last evaluated: 2024-04-22. Review status: criteria provided, single submitter. Criteria: Invitae Variant Classification Sherloc (09022015). Collection method: clinical testing. Allele origin: germline.
Comment: This sequence change creates a premature translational stop signal (p.Ser624Hisfs*8) in the ERCC6 gene. It is expected to result in an absent or disrupted protein product. Loss-of-function variants in ERCC6 are known to be pathogenic (PMID: 18628313, 29572252). This variant is not present in population databases (gnomAD no frequency). This variant has not been reported in the literature in individuals affected with ERCC6-related conditions. For these reasons, this variant has been classified as Pathogenic.

Mendelics
Classification: Pathogenic for DE SANCTIS-CACCHIONE SYNDROME. Last evaluated: 2019-05-28. Review status: criteria provided, single submitter. Criteria: Mendelics Assertion Criteria 2017. Collection method: clinical testing. Allele origin: unknown.

Literature cited by the submitters: PubMed 18628313 (cited by Labcorp Genetics (formerly Invitae), Labcorp); PubMed 29572252 (cited by Labcorp Genetics (formerly Invitae), Labcorp).

NM_000124.4(ERCC6):c.1868_1869dup (p.Ser624fs)

Gene: ERCC6 (ERCC excision repair 6, chromatin remodeling factor; minus strand). Cytogenetic location: 10q11.23.
Variant type: Microsatellite.
Coding change: c.1868_1869dup on transcript NM_000124.4 (MANE Select); coding-DNA positions 1868 to 1869, 2 bases duplicated (CA; older notation c.1868_1869dupCA).
Protein change: p.Ser624fs; shifts the reading frame from serine 624.
Molecular consequence: frameshift variant.
Genome position (GRCh38, 1-based): chr10:49,483,469-49,483,470, TG duplicated on the plus strand (CA on the coding strand, the reverse complement: ERCC6 is on the minus strand); duplicating any 2 consecutive bases within chr10:49,483,469-49,483,472 gives the same sequence; the c. name uses the placement nearest the transcript's 3' end. VCF-style (leftmost placement, unchanged base first): chr10-49483468-A-ATG. GRCh37 (hg19) VCF-style: chr10-50691514-A-ATG.
Other names: c.1868_1869dup, p.Ser624fs (NM_001346440.2); short protein forms S624fs.
Identifiers: ClinVar variation 802571 (VCV000802571.6), dbSNP rs1307714476, ClinGen allele CA666036484.